The following is an entry in ClinVar:

ClinVar aggregate classification (germline): Uncertain significance (1 of 4 stars; one submission).

Submission:

Greenwood Genetic Center Diagnostic Laboratories, Greenwood Genetic Center
Classification: Uncertain significance. Last evaluated: 2025-04-03. Review status: criteria provided, single submitter. Criteria: ACMG Guidelines, 2015. Collection method: clinical testing. Allele origin: germline. Affected: yes.
Comment: PM2, PP3

NM_001278064.2(GRM1):c.580G>A (p.Asp194Asn)

Gene: GRM1 (glutamate metabotropic receptor 1; plus strand). Cytogenetic location: 6q24.3.
Variant type: single nucleotide variant.
Coding change: c.580G>A on transcript NM_001278064.2 (MANE Select); coding-DNA position 580, G replaced by A.
Protein change: p.Asp194Asn; replaces aspartic acid 194 with asparagine.
Molecular consequence: missense variant.
Genome position (GRCh38, 1-based): chr6:146,030,097, G>A. VCF-style: chr6-146030097-G-A. GRCh37 (hg19) VCF-style: chr6-146351233-G-A.
Other names: c.580G>A, p.Asp194Asn (NM_001278066.1, NM_001278067.1, NM_001278065.2); short protein forms D194N.
Identifiers: ClinVar variation 4538375 (VCV004538375.1).
Genomic context (GRCh38, chr6:146,030,097, plus strand): 5'-CTGCTCCAGCTCTTCGACATCCCCCAGATCGCTTATTCAGCCACAAGCATCGACCTGAGT[G>A]ACAAAACTTTGTACAAATACTTCCTGAGGGTTGTCCCTTCTGACACTTTGCAGGCAAGGG-3'
Protein context (NP_001264993.1, residues 184-204): AYSATSIDLS[Asp194Asn]KTLYKYFLRV